The following is an entry in ClinVar:

ClinVar aggregate classification (germline): Uncertain significance. Review status: criteria provided, multiple submitters, no conflicts (2 of 4 stars). 2 submissions from 2 submitters: Uncertain significance (2). Last evaluated 2025-06-19.

Conditions:
Legius syndrome. Identifiers: Orphanet 137605, MedGen C1969623, MONDO:0012669, OMIM 611431. Disease mechanism: loss of function.

Allele frequency attached by ClinVar (database versions not stated): ExAC 0.00001; gnomAD 0.00002 and 0.00003; TOPMed 0.00003; ESP Exome Variant Server 0.00008.
gnomAD v4.1: 9 of 1,614,032 alleles (0.00056%); highest among the groups gnomAD compares: African/African-American, 0.0053%; no homozygotes.

Submissions (2):

Labcorp Genetics (formerly Invitae), Labcorp
Classification: Uncertain significance for Legius syndrome. Last evaluated: 2025-06-19. Review status: criteria provided, single submitter. Criteria: Invitae Variant Classification Sherloc (09022015). Collection method: clinical testing. Allele origin: germline.
Comment: This sequence change replaces lysine, which is basic and polar, with threonine, which is neutral and polar, at codon 289 of the SPRED1 protein (p.Lys289Thr). This variant is present in population databases (rs372665535, gnomAD 0.007%). This variant has not been reported in the literature in individuals affected with SPRED1-related conditions. ClinVar contains an entry for this variant (Variation ID: 1476804). Invitae Evidence Modeling of protein sequence and biophysical properties (such as structural, functional, and spatial information, amino acid conservation, physicochemical variation, residue mobility, and thermodynamic stability) indicates that this missense variant is not expected to disrupt SPRED1 protein function with a negative predictive value of 80%. In summary, the available evidence is currently insufficient to determine the role of this variant in disease. Therefore, it has been classified as a Variant of Uncertain Significance.

Women's Health and Genetics/Laboratory Corporation of America, LabCorp
Classification: Uncertain significance. Last evaluated: 2024-10-18. Review status: criteria provided, single submitter. Criteria: LabCorp Variant Classification Summary - May 2015. Collection method: clinical testing. Allele origin: germline.
Comment: Variant summary: SPRED1 c.866A>C (p.Lys289Thr) results in a non-conservative amino acid change in the encoded protein sequence. Five of five in-silico tools predict a damaging effect of the variant on protein function. The variant was absent in 251280 control chromosomes. The available data on variant occurrences in the general population are insufficient to allow any conclusion about variant significance. To our knowledge, no occurrence of c.866A>C in individuals affected with Neurofibromatosis Type 1-Like Syndrome (Legius Syndrome) and no experimental evidence demonstrating its impact on protein function have been reported. ClinVar contains an entry for this variant (Variation ID: 1476804). Based on the evidence outlined above, the variant was classified as uncertain significance.

NM_152594.3(SPRED1):c.866A>C (p.Lys289Thr)

Gene: SPRED1 (sprouty related EVH1 domain containing 1; plus strand). Cytogenetic location: 15q14.
Variant type: single nucleotide variant.
Coding change: c.866A>C on transcript NM_152594.3 (MANE Select); coding-DNA position 866, A replaced by C.
Protein change: p.Lys289Thr; replaces lysine 289 with threonine.
Molecular consequence: missense variant.
Genome position (GRCh38, 1-based): chr15:38,351,195, A>C. VCF-style: chr15-38351195-A-C. GRCh37 (hg19) VCF-style: chr15-38643396-A-C.
Other names: short protein forms K289T.
Identifiers: ClinVar variation 1476804 (VCV001476804.7), dbSNP rs372665535, ClinGen allele CA7470194.